The following is an entry in ClinVar:

NM_001194.4(HCN2):c.3G>A (p.Met1Ile)

Gene: HCN2 (hyperpolarization activated cyclic nucleotide gated potassium and sodium channel 2; plus strand). Cytogenetic location: 19p13.3.
Variant type: single nucleotide variant.
Coding change: c.3G>A on transcript NM_001194.4 (MANE Select); coding-DNA position 3, G replaced by A.
Protein change: p.Met1Ile; changes the start codon (methionine 1).
Molecular consequence: missense variant, initiator codon variant.
Genome position (GRCh38, 1-based): chr19:589,948, G>A. VCF-style: chr19-589948-G-A. GRCh37 (hg19) VCF-style: chr19-589948-G-A.
Other names: short protein forms M1I.
Identifiers: ClinVar variation 4880914 (VCV004880914.2).

ClinVar aggregate classification (germline): Uncertain significance (1 of 4 stars; one submission).

Submission:

Dasa
Classification: Uncertain significance. Last evaluated: 2025-10-16. Review status: criteria provided, single submitter. Criteria: DASA Assertion Criteria. Collection method: clinical testing. Allele origin: germline.
Comment: NM_001194.4(HCN2):c.3G>A (p.Met1?) is a start-loss variant predicted to alter the translation initiation codon and impair normal protein translation. This variant is rare in population databases. The currently available literature and clinical evidence are not sufficient to establish a definitive association between this variant and the reported condition. Therefore, this variant is classified as a variant of uncertain significance.